The following is an entry in ClinVar:

ClinVar aggregate classification (germline): Uncertain significance (1 of 4 stars; one submission).

Submission:

GeneDx
Classification: Uncertain significance. Last evaluated: 2021-02-17. Review status: criteria provided, single submitter. Criteria: GeneDx Variant Classification Process June 2021. Collection method: clinical testing. Allele origin: germline. Affected: yes.
Comment: Not observed in large population cohorts (Lek et al., 2016); In silico analysis supports that this missense variant has a deleterious effect on protein structure/function; Has not been previously published as pathogenic or benign to our knowledge

NM_005559.4(LAMA1):c.1760T>C (p.Leu587Pro)

Gene: LAMA1 (laminin subunit alpha 1; minus strand). Cytogenetic location: 18p11.31.
Variant type: single nucleotide variant.
Coding change: c.1760T>C on transcript NM_005559.4 (MANE Select); coding-DNA position 1760, T replaced by C.
Protein change: p.Leu587Pro; replaces leucine 587 with proline.
Molecular consequence: missense variant.
Genome position (GRCh38, 1-based): chr18:7,036,066, A>G on the plus strand (T>C on the coding strand, the complement: LAMA1 is on the minus strand). VCF-style: chr18-7036066-A-G. GRCh37 (hg19) VCF-style: chr18-7036065-A-G.
Other names: short protein forms L587P.
Identifiers: ClinVar variation 1307299 (VCV001307299.2), dbSNP rs2144170821, ClinGen allele CA401831626.